The following is an entry in ClinVar:

NM_000402.4(G6PD):c.1466G>C (p.Arg489Pro)

Gene: G6PD (glucose-6-phosphate dehydrogenase; minus strand). Cytogenetic location: Xq28.
Variant type: single nucleotide variant.
Coding change: c.1466G>C on transcript NM_000402.4; coding-DNA position 1466, G replaced by C.
Protein change: p.Arg489Pro; replaces arginine 489 with proline.
Molecular consequence: missense variant.
Genome position (GRCh38, 1-based): chrX:154,532,269, C>G on the plus strand (G>C on the coding strand, the complement: G6PD is on the minus strand). VCF-style: chrX-154532269-C-G. GRCh37 (hg19) VCF-style: chrX-153760484-C-G.
Other names: G6PD, ARG459PRO; G6PD Cosenza; c.1376G>C, p.Arg459Pro (NM_001042351.3, NM_001360016.2); short protein forms R459P, R489P.
Identifiers: ClinVar variation 10422 (VCV000010422.29), dbSNP rs72554665, ClinGen allele CA121060.

ClinVar aggregate classification (germline): Pathogenic/Likely pathogenic. Review status: criteria provided, multiple submitters, no conflicts (2 of 4 stars). 9 submissions from 9 submitters: Pathogenic (7); Likely pathogenic (1). 1 of the submissions does not count toward it. Last evaluated 2024-02-05.

Conditions:
G6PD deficiency. Also called: G6PD A-. Identifiers: MedGen C2939465, MONDO:0005775.
Anemia, nonspherocytic hemolytic, due to G6PD deficiency (CNSHA1). Also called: Hemolytic anemia due to G6PD deficiency; Favism, susceptibility to; Class I glucose-6-phosphate dehydrogenase deficiency; ANEMIA, CONGENITAL, NONSPHEROCYTIC HEMOLYTIC, 1. Identifiers: Orphanet 466026, MedGen C2720289, MONDO:0010480, OMIM 300908.
G6PD COSENZA.
Malaria, susceptibility to. Identifiers: Orphanet 673, MedGen C1970028, MONDO:0021024, OMIM 611162.

Allele frequency attached by ClinVar (database versions not stated): TOPMed 0.00001.
gnomAD v4.1: 8 of 1,209,746 alleles (0.00066%); highest among the groups gnomAD compares: Middle Eastern, 0.046%; no homozygotes.

Submissions (9):

Baylor Genetics
Classification: Pathogenic for Malaria, susceptibility to. Last evaluated: 2024-02-05. Review status: criteria provided, single submitter. Criteria: ACMG Guidelines, 2015. Collection method: clinical testing. Allele origin: unknown.

Intergen Genetics and Rare Diseases Diagnosis Center
Classification: Pathogenic for Anemia, nonspherocytic hemolytic, due to G6PD deficiency. Last evaluated: 2023-06-08. Review status: criteria provided, single submitter. Criteria: ACMG Guidelines, 2015. Collection method: clinical testing. Allele origin: unknown. Inheritance: X-linked dominant inheritance.

Labcorp Genetics (formerly Invitae), Labcorp
Classification: Pathogenic for Anemia, nonspherocytic hemolytic, due to G6PD deficiency. Last evaluated: 2022-12-10. Review status: criteria provided, single submitter. Criteria: Invitae Variant Classification Sherloc (09022015). Collection method: clinical testing. Allele origin: germline.
Comment: This sequence change replaces arginine, which is basic and polar, with proline, which is neutral and non-polar, at codon 459 of the G6PD protein (p.Arg459Pro). This variant is present in population databases (rs72554665, gnomAD 0.001%). This missense change has been observed in individual(s) with G6PD deficiency (PMID: 8447319, 9299858, 23365477). This variant is also known as Cosenza variant. ClinVar contains an entry for this variant (Variation ID: 10422). Advanced modeling of protein sequence and biophysical properties (such as structural, functional, and spatial information, amino acid conservation, physicochemical variation, residue mobility, and thermodynamic stability) performed at Invitae indicates that this missense variant is expected to disrupt G6PD protein function. This variant disrupts the p.Arg459 amino acid residue in G6PD. Other variant(s) that disrupt this residue have been determined to be pathogenic (PMID: 1562739, 2263506, 6714986, 8537082, 10643148, 11499668, 17726510, 20203002, 21446359, 25541721, 25775246, 26823837). This suggests that this residue is clinically significant, and that variants that disrupt this residue are likely to be disease-causing. For these reasons, this variant has been classified as Pathogenic.

Dunham Lab, University of Washington
Classification: Pathogenic for Anemia, nonspherocytic hemolytic, due to G6PD deficiency. Last evaluated: 2022-08-12. Review status: criteria provided, single submitter. Criteria: Bayesian ACMG Guidelines, 2018. Collection method: curation. Allele origin: unknown. Affected: yes.
Comment: Variant found in unrelated hemizygotes with deficiency, some with favism and anemia (PS4_M, PP4). Decreased activity in red blood cells (1-14%) (PS3). Affects same amino acid as pathogenic 459R>L (ClinVar ID 100058) (PM5). Below expected carrier frequency in gnomAD (PM2). Reported as pathogenic by Eurofins (PP5). Post_P 0.999 (odds of pathogenicity 6568, Prior_P 0.1).

Centre for Mendelian Genomics, University Medical Centre Ljubljana
Classification: Pathogenic for Anemia, nonspherocytic hemolytic, due to G6PD deficiency. Last evaluated: 2019-08-20. Review status: criteria provided, single submitter. Criteria: ACMG Guidelines, 2015. Collection method: clinical testing. Allele origin: unknown. Affected: yes.
Comment: This variant was classified as: Pathogenic. The following ACMG criteria were applied in classifying this variant: PS1,PS3.

Illumina Laboratory Services, Illumina
Classification: Pathogenic for Glucose 6 phosphate dehydrogenase deficiency. Last evaluated: 2019-04-05. Review status: criteria provided, single submitter. Criteria: ICSL Variant Classification Criteria 09 May 2019. Collection method: clinical testing. Allele origin: germline.
Comment: Across a selection of available literature, the G6PD c.1376G>C (p.Arg459Pro) missense variant, also referred to as c.1466G>C (p.Arg489Pro) or the "Cosenza" variant, has been reported in at least 24 individuals with glucose-6-phosphate dehydrogenase (G6PD) deficiency (Calabro et al. 1993; Barisic et al. 2005; Moosazadeh et al. 2013; Javadi et al. 2015). The p.Arg459Pro variant has been identified in multiple ethnic populations from countries around the Mediterranean (including Italy and Iran) and is most prevalent in Croatia. This variant is associated with a severe form of G6PD enzyme deficiency (Calabro et al. 1993; Moosazadeh et al. 2013). Control data are not available for this variant, which is reported at a frequency of 0.000248 in the Other population of the Genome Aggregation Database but this is based on one allele in a region of good sequencing coverage so the variant is presumed to be rare in the general population. Functional assays demonstrate that the p.Arg459Pro variant results in reduced enzyme activity, between 2% and 9.5% of normal (Calabro et al. 1993; Barisic et al. 2005). Based on the collective evidence, the p.Arg489Pro variant is classified as pathogenic for glucose-6-phosphate dehydrogenase deficiency. This variant was observed by ICSL as part of a predisposition screen in an ostensibly healthy population.

Eurofins Ntd Llc (ga)
Classification: Pathogenic. Last evaluated: 2015-08-31. Review status: criteria provided, single submitter. Criteria: EGL Classification Definitions 2015. Collection method: clinical testing. Allele origin: germline. Observed: 3 variant alleles, 2 heterozygotes, 1 hemizygote.

Kariminejad - Najmabadi Pathology & Genetics Center
Classification: Likely pathogenic for Anemia, nonspherocytic hemolytic, due to G6PD deficiency. Review status: criteria provided, single submitter. Criteria: ACMG Guidelines, 2015. Collection method: clinical testing. Allele origin: germline. Affected: no.

OMIM
Classification: other for G6PD COSENZA. Last evaluated: 2017-05-24. Review status: no assertion criteria provided. Collection method: literature only. Allele origin: germline. Not counted in ClinVar's aggregate classification.

Literature cited by the submitters: PubMed 8447319 (cited by 4 submitters); PubMed 9299858 (cited by Labcorp Genetics (formerly Invitae), Labcorp); PubMed 23365477 (cited by Labcorp Genetics (formerly Invitae), Labcorp); PubMed 1562739 (cited by Labcorp Genetics (formerly Invitae), Labcorp); PubMed 2263506 (cited by Labcorp Genetics (formerly Invitae), Labcorp); PubMed 6714986 (cited by Labcorp Genetics (formerly Invitae), Labcorp); PubMed 8537082 (cited by Labcorp Genetics (formerly Invitae), Labcorp); PubMed 10643148 (cited by Labcorp Genetics (formerly Invitae), Labcorp); PubMed 11499668 (cited by Labcorp Genetics (formerly Invitae), Labcorp); PubMed 17726510 (cited by Labcorp Genetics (formerly Invitae), Labcorp); PubMed 20203002 (cited by Labcorp Genetics (formerly Invitae), Labcorp); PubMed 21446359 (cited by Labcorp Genetics (formerly Invitae), Labcorp); PubMed 25541721 (cited by Labcorp Genetics (formerly Invitae), Labcorp); PubMed 25775246 (cited by Labcorp Genetics (formerly Invitae), Labcorp); PubMed 26823837 (cited by Labcorp Genetics (formerly Invitae), Labcorp); PubMed 9233561 (cited by Dunham Lab, University of Washington); PubMed 8611726 (cited by Dunham Lab, University of Washington); PubMed 16143877 (cited by 3 submitters); PubMed 7959686 (cited by Dunham Lab, University of Washington); PubMed 26060661 (cited by Illumina Laboratory Services, Illumina).